The following is an entry in ClinVar:

NM_024675.4(PALB2):c.1076G>C (p.Ser359Thr)

Gene: PALB2 (partner and localizer of BRCA2; minus strand). Cytogenetic location: 16p12.2.
Variant type: single nucleotide variant.
Coding change: c.1076G>C on transcript NM_024675.4 (MANE Select); coding-DNA position 1076, G replaced by C.
Protein change: p.Ser359Thr; replaces serine 359 with threonine.
Molecular consequence: missense variant. On other transcripts: intron variant (3).
Genome position (GRCh38, 1-based): chr16:23,635,470, C>G on the plus strand (G>C on the coding strand, the complement: PALB2 is on the minus strand). VCF-style: chr16-23635470-C-G. GRCh37 (hg19) VCF-style: chr16-23646791-C-G.
Other names: c.1016G>C, p.Ser339Thr (NM_001407296.1); c.1076G>C, p.Ser359Thr (NM_001407297.1, NM_001407298.1, NM_001407299.1 and 3 more transcripts); c.191G>C, p.Ser64Thr (NM_001407304.1, NM_001407305.1, NM_001407306.1 and 5 more transcripts); c.48+5640G>C (NM_001407314.1); c.-104-5001G>C (NM_001407313.1, NM_001407312.1); short protein forms S339T, S359T, S64T.
Identifiers: ClinVar variation 2778016 (VCV002778016.3), dbSNP rs1966995771, ClinGen allele CA395133965.

ClinVar aggregate classification (germline): Uncertain significance (1 of 4 stars; one submission).

Conditions:
Familial cancer of breast. Also called: Hereditary breast cancer; BREAST CANCER, FAMILIAL; hereditary breast carcinoma. Identifiers: Orphanet 227535, MedGen C0346153, MONDO:0016419, OMIM 114480. Disease mechanism: loss of function.

Submission:

Labcorp Genetics (formerly Invitae), Labcorp
Classification: Uncertain significance for Familial cancer of breast. Last evaluated: 2023-09-27. Review status: criteria provided, single submitter. Criteria: Invitae Variant Classification Sherloc (09022015). Collection method: clinical testing. Allele origin: germline.
Comment: This sequence change replaces serine, which is neutral and polar, with threonine, which is neutral and polar, at codon 359 of the PALB2 protein (p.Ser359Thr). This variant is not present in population databases (gnomAD no frequency). This variant has not been reported in the literature in individuals affected with PALB2-related conditions. Advanced modeling of protein sequence and biophysical properties (such as structural, functional, and spatial information, amino acid conservation, physicochemical variation, residue mobility, and thermodynamic stability) performed at Invitae indicates that this missense variant is not expected to disrupt PALB2 protein function. In summary, the available evidence is currently insufficient to determine the role of this variant in disease. Therefore, it has been classified as a Variant of Uncertain Significance.